The following is an entry in ClinVar:

ClinVar aggregate classification (germline): Pathogenic (1 of 4 stars; one submission).

Conditions:
Ellis-van Creveld syndrome (EVC). Also called: EVC-Related Ellis-van Creveld Syndrome; EVC2-Related Ellis-van Creveld Syndrome; MESOECTODERMAL DYSPLASIA; Chondroectodermal dysplasia. Identifiers: Orphanet 289, MedGen C0013903, MONDO:0009162, OMIM 225500.
Curry-Hall syndrome (WAD). Also called: WEYERS ACRODENTAL DYSOSTOSIS. Identifiers: Orphanet 952, MedGen C0457013, MONDO:0008673, OMIM 193530.

Submission:

Labcorp Genetics (formerly Invitae), Labcorp
Classification: Pathogenic for Curry-Hall syndrome; Ellis-van Creveld syndrome. Last evaluated: 2023-04-18. Review status: criteria provided, single submitter. Criteria: Invitae Variant Classification Sherloc (09022015). Collection method: clinical testing. Allele origin: germline.
Comment: For these reasons, this variant has been classified as Pathogenic. This variant has not been reported in the literature in individuals affected with EVC-related conditions. This variant is not present in population databases (gnomAD no frequency). This sequence change creates a premature translational stop signal (p.Glu205*) in the EVC gene. It is expected to result in an absent or disrupted protein product. Loss-of-function variants in EVC are known to be pathogenic (PMID: 23220543).

Literature cited by the submitters: PubMed 23220543.

NM_153717.3(EVC):c.613G>T (p.Glu205Ter)

Gene: EVC (EvC ciliary complex subunit 1; plus strand). Cytogenetic location: 4p16.2.
Variant type: single nucleotide variant.
Coding change: c.613G>T on transcript NM_153717.3 (MANE Select); coding-DNA position 613, G replaced by T.
Protein change: p.Glu205Ter; replaces glutamic acid 205 with a stop codon.
Molecular consequence: nonsense.
Genome position (GRCh38, 1-based): chr4:5,731,653, G>T. VCF-style: chr4-5731653-G-T. GRCh37 (hg19) VCF-style: chr4-5733380-G-T.
Other names: c.613G>T, p.Glu205Ter (NM_001306090.2, NM_001306092.2); short protein forms E205*.
Identifiers: ClinVar variation 2953626 (VCV002953626.3), dbSNP rs775555999, ClinGen allele CA356143467.